The following is an entry in ClinVar:

NM_004304.5(ALK):c.3646-3C>G

Gene: ALK (ALK receptor tyrosine kinase; minus strand). Cytogenetic location: 2p23.2.
Variant type: single nucleotide variant.
Coding change: c.3646-3C>G on transcript NM_004304.5 (MANE Select); 3 bases into the intron before coding-DNA position 3646, C replaced by G.
Molecular consequence: intron variant.
Genome position (GRCh38, 1-based): chr2:29,214,084, G>C on the plus strand (C>G on the coding strand, the complement: ALK is on the minus strand). VCF-style: chr2-29214084-G-C. GRCh37 (hg19) VCF-style: chr2-29436950-G-C.
Other names: c.3646-3C>G (NM_004304.4); c.442-3C>G (NM_001353765.2).
Identifiers: ClinVar variation 1399421 (VCV001399421.8), dbSNP rs1060500208, ClinGen allele CA1241085969.

ClinVar aggregate classification (germline): Uncertain significance. Review status: criteria provided, multiple submitters, no conflicts (2 of 4 stars). 2 submissions from 2 submitters: Uncertain significance (2). Last evaluated 2026-01-06.

Conditions:
Neuroblastoma, susceptibility to, 3. Also called: ALK-Related Neuroblastic Tumor Susceptibility. Identifiers: Orphanet 635, MedGen C2751681, MONDO:0013083, OMIM 613014.
Hereditary cancer-predisposing syndrome. Also called: Hereditary neoplastic syndrome; Tumor predisposition; Neoplastic Syndromes, Hereditary; Hereditary Cancer Syndrome. Identifiers: Orphanet 140162, MedGen C0027672, MeSH D009386, MONDO:0015356.

Allele frequency attached by ClinVar (database versions not stated): TOPMed below 0.00001.

Submissions (2):

Ambry Genetics
Classification: Uncertain significance for Hereditary cancer-predisposing syndrome. Last evaluated: 2026-01-06. Review status: criteria provided, single submitter. Criteria: Ambry Variant Classification Scheme 2023. Collection method: clinical testing. Allele origin: germline.
Comment: The c.3646-3C>G intronic variant results from a C to G substitution 3 nucleotides upstream from coding exon 24 in the ALK gene. This nucleotide position is well conserved in available vertebrate species. In silico splice site analysis predicts that this alteration will weaken the native splice acceptor site and will result in the creation or strengthening of a novel splice acceptor site. Based on the available evidence, the clinical significance of this variant remains unclear.

Labcorp Genetics (formerly Invitae), Labcorp
Classification: Uncertain significance for Neuroblastoma, susceptibility to, 3. Last evaluated: 2022-04-02. Review status: criteria provided, single submitter. Criteria: Invitae Variant Classification Sherloc (09022015). Collection method: clinical testing. Allele origin: germline.
Comment: In summary, the available evidence is currently insufficient to determine the role of this variant in disease. Therefore, it has been classified as a Variant of Uncertain Significance. Variants that disrupt the consensus splice site are a relatively common cause of aberrant splicing (PMID: 17576681, 9536098). Algorithms developed to predict the effect of sequence changes on RNA splicing suggest that this variant may disrupt the consensus splice site. This variant has not been reported in the literature in individuals affected with ALK-related conditions. This variant is not present in population databases (gnomAD no frequency). This sequence change falls in intron 23 of the ALK gene. It does not directly change the encoded amino acid sequence of the ALK protein. It affects a nucleotide within the consensus splice site.

Literature cited by the submitters: PubMed 17576681 (cited by Labcorp Genetics (formerly Invitae), Labcorp); PubMed 9536098 (cited by Labcorp Genetics (formerly Invitae), Labcorp).